The following is an entry in ClinVar:

NM_001457.4(FLNB):c.6164G>A (p.Gly2055Asp)

Gene: FLNB (filamin B; plus strand). Cytogenetic location: 3p14.3.
Variant type: single nucleotide variant.
Coding change: c.6164G>A on transcript NM_001457.4 (MANE Select); coding-DNA position 6164, G replaced by A.
Protein change: p.Gly2055Asp; replaces glycine 2055 with aspartic acid.
Molecular consequence: missense variant.
Genome position (GRCh38, 1-based): chr3:58,149,922, G>A. VCF-style: chr3-58149922-G-A. GRCh37 (hg19) VCF-style: chr3-58135649-G-A.
Other names: c.6257G>A, p.Gly2086Asp (NM_001164317.2); c.6131G>A, p.Gly2044Asp (NM_001164318.2); c.6092G>A, p.Gly2031Asp (NM_001164319.2); c.6164G>A (NM_001457.3); short protein forms G2031D, G2055D, G2044D, G2086D.
Identifiers: ClinVar variation 930590 (VCV000930590.11), dbSNP rs375752014, ClinGen allele CA2469263.
Genomic context (GRCh38, chr3:58,149,922, plus strand): 5'-TATCCTTGGCGGTGGAAGGCCCCAGCAAAGTGGACATCCAGACGGAGGACCTGGAAGATG[G>A]CACCTGCAAAGTCTCCTACTTCCCTACCGTGCCTGGGGTTTATATCGTCTCCACCAAATT-3'
Protein context (NP_001448.2, residues 2045-2065): VDIQTEDLED[Gly2055Asp]TCKVSYFPTV

ClinVar aggregate classification (germline): Conflicting classifications of pathogenicity. Review status: criteria provided, conflicting classifications (1 of 4 stars). 3 submissions from 3 submitters: Uncertain significance (2); Likely benign (1). Last evaluated 2026-01-08.

Conditions:
Inborn genetic diseases. Identifiers: MedGen C0950123, MeSH D030342.
Atelosteogenesis type III. Also called: Atelosteogenesis Type 3 (FLNB-AO3). Identifiers: Orphanet 56305, MedGen C3668942, MONDO:0007168, OMIM 108721.

Allele frequency attached by ClinVar (database versions not stated): TOPMed 0.00002; gnomAD 0.00004; gnomAD exomes 0.00005 and 0.00010; ExAC 0.00007; ESP Exome Variant Server 0.00008.
gnomAD v4.1: 148 of 1,614,134 alleles (0.0092%); highest among the groups gnomAD compares: Middle Eastern, 0.016%; no homozygotes.

Submissions (3):

Labcorp Genetics (formerly Invitae), Labcorp
Classification: Likely benign. Last evaluated: 2026-01-08. Review status: criteria provided, single submitter. Criteria: Invitae Variant Classification Sherloc (09022015). Collection method: clinical testing. Allele origin: germline.

Ambry Genetics
Classification: Uncertain significance for Inborn genetic diseases. Last evaluated: 2022-10-03. Review status: criteria provided, single submitter. Criteria: Ambry Variant Classification Scheme 2023. Collection method: clinical testing. Allele origin: germline.

Centre for Mendelian Genomics, University Medical Centre Ljubljana
Classification: Uncertain significance for Atelosteogenesis type III. Last evaluated: 2019-10-03. Review status: criteria provided, single submitter. Criteria: ACMG Guidelines, 2015. Collection method: clinical testing. Allele origin: unknown. Affected: yes.
Comment: This variant was classified as: Uncertain significance. The available evidence on this variant's pathogenicity is insufficient or conflicting. The following ACMG criteria were applied in classifying this variant: No criteria apply.